The following is an entry in ClinVar:

NM_178857.6(RP1L1):c.2793G>T (p.Gly931=)

Gene: RP1L1 (RP1 like 1). Cytogenetic location: 8p23.1.
Variant type: single nucleotide variant.
Coding change: c.2793G>T on transcript NM_178857.6 (MANE Select); coding-DNA position 2793, G replaced by T.
Protein change: p.Gly931=; no amino-acid change (glycine 931 retained).
Molecular consequence: synonymous variant.
Genome position (GRCh38, 1-based): chr8:10,611,305, C>A on the plus strand (G>T on the coding strand, the complement: RP1L1 is on the minus strand). VCF-style: chr8-10611305-C-A. GRCh37 (hg19) VCF-style: chr8-10468815-C-A.
Identifiers: ClinVar variation 5038867 (VCV005038867.1).

ClinVar aggregate classification (germline): Likely benign (1 of 4 stars; one submission).

Submission:

CeGaT Center for Human Genetics Tuebingen
Classification: Likely benign. Last evaluated: 2026-08-01. Review status: criteria provided, single submitter. Criteria: CeGaT Center For Human Genetics Tuebingen Variant Classification Criteria Version 2. Collection method: clinical testing. Allele origin: germline. Affected: yes. Observed: 1 variant allele.
Comment: RP1L1: PM2:Supporting, BP4, BP7